The following is an entry in ClinVar:

ClinVar aggregate classification (germline): Conflicting classifications of pathogenicity. Review status: criteria provided, conflicting classifications (1 of 4 stars). 11 submissions from 10 submitters: Uncertain significance (2); Benign (4); Likely benign (4). 1 of the submissions does not count toward it. Last evaluated 2026-08-01.

Conditions:
LARGE1-related disorder. Also called: LARGE1-related condition.
Muscular dystrophy-dystroglycanopathy (congenital with brain and eye anomalies), type A6. Also called: WALKER-WARBURG SYNDROME OR MUSCLE-EYE-BRAIN DISEASE, LARGE-RELATED; MUSCULAR DYSTROPHY-DYSTROGLYCANOPATHY (CONGENITAL WITH BRAIN AND EYE ANOMALIES), TYPE A, 6. Identifiers: Orphanet 588, Orphanet 899, MedGen C3150414, MONDO:0013158, OMIM 613154.
Muscular dystrophy-dystroglycanopathy type B6 (MDDGB6). Also called: MUSCULAR DYSTROPHY-DYSTROGLYCANOPATHY (CONGENITAL WITH IMPAIRED INTELLECTUAL DEVELOPMENT), TYPE B, 6; MUSCULAR DYSTROPHY, CONGENITAL, LARGE-RELATED; MUSCULAR DYSTROPHY, CONGENITAL, TYPE 1D. Identifiers: MedGen C1837229, MONDO:0012138, OMIM 608840.

Allele frequency attached by ClinVar (database versions not stated): 1000 Genomes Project 0.00060; 1000 Genomes Project 30x 0.00094; TOPMed 0.00203; gnomAD 0.00221 and 0.00224; ESP Exome Variant Server 0.00369.
gnomAD v4.1: 5,479 of 1,614,108 alleles (0.34%); highest among the groups gnomAD compares: Non-Finnish European, 0.38%; 18 homozygotes.

Submissions (11):

CeGaT Center for Human Genetics Tuebingen
Classification: Likely benign. Last evaluated: 2026-08-01. Review status: criteria provided, single submitter. Criteria: CeGaT Center For Human Genetics Tuebingen Variant Classification Criteria Version 2. Collection method: clinical testing. Allele origin: germline. Affected: yes. Observed: 17 variant alleles.
Comment: LARGE1: BP4, BP7, BS2

Labcorp Genetics (formerly Invitae), Labcorp
Classification: Benign for Muscular dystrophy-dystroglycanopathy type B6. Last evaluated: 2026-01-31. Review status: criteria provided, single submitter. Criteria: Invitae Variant Classification Sherloc (09022015). Collection method: clinical testing. Allele origin: germline.

Blueprint Genetics
Classification: Likely benign. Last evaluated: 2024-11-28. Review status: criteria provided, single submitter. Criteria: ACMG Guidelines, 2015. Collection method: clinical testing. Allele origin: germline.

Mayo Clinic Laboratories, Mayo Clinic
Classification: Benign. Last evaluated: 2024-05-02. Review status: criteria provided, single submitter. Criteria: ACMG Guidelines, 2015. Collection method: clinical testing. Allele origin: germline. Observed: 8 variant alleles.
Comment: BA1, BP4, BP7

GeneDx
Classification: Likely benign. Last evaluated: 2020-06-23. Review status: criteria provided, single submitter. Criteria: GeneDx Variant Classification Process June 2021. Collection method: clinical testing. Allele origin: germline. Affected: yes.

Illumina Laboratory Services, Illumina
Classification: Uncertain significance for Muscular dystrophy-dystroglycanopathy (congenital with brain and eye anomalies), type A6. Last evaluated: 2018-01-13. Review status: criteria provided, single submitter. Criteria: ICSL Variant Classification Criteria 13 December 2019. Collection method: clinical testing. Allele origin: germline.

Illumina Laboratory Services, Illumina
Classification: Uncertain significance for Muscular dystrophy-dystroglycanopathy type B6. Last evaluated: 2018-01-13. Review status: criteria provided, single submitter. Criteria: ICSL Variant Classification Criteria 13 December 2019. Collection method: clinical testing. Allele origin: germline.

Athena Diagnostics
Classification: Benign. Last evaluated: 2017-11-16. Review status: criteria provided, single submitter. Criteria: Athena Diagnostics Criteria. Collection method: clinical testing. Allele origin: germline.

Genetic Services Laboratory, University of Chicago
Classification: Likely benign. Last evaluated: 2015-10-22. Review status: criteria provided, single submitter. Criteria: ACMG Guidelines, 2015. Collection method: clinical testing. Allele origin: germline. Affected: no.

Eurofins Ntd Llc (ga)
Classification: Benign. Last evaluated: 2014-01-24. Review status: criteria provided, single submitter. Criteria: EGL Classification Definitions 2015. Collection method: clinical testing. Allele origin: germline. Observed: 2 variant alleles, 2 heterozygotes.

PreventionGenetics, part of Exact Sciences
Classification: Benign for LARGE1-related condition. Last evaluated: 2019-09-23. Review status: no assertion criteria provided. Collection method: clinical testing. Allele origin: germline. Not counted in ClinVar's aggregate classification.
Comment: This variant is classified as benign based on ACMG/AMP sequence variant interpretation guidelines (Richards et al. 2015 PMID: 25741868, with internal and published modifications).

NM_133642.5(LARGE1):c.1788G>A (p.Ala596=)

Gene: LARGE1 (LARGE xylosyl- and glucuronyltransferase 1; minus strand). Cytogenetic location: 22q12.3.
Variant type: single nucleotide variant.
Coding change: c.1788G>A on transcript NM_133642.5 (MANE Select); coding-DNA position 1788, G replaced by A.
Protein change: p.Ala596=; no amino-acid change (alanine 596 retained).
Molecular consequence: synonymous variant. On other transcripts: intron variant (3).
Genome position (GRCh38, 1-based): chr22:33,283,291, C>T on the plus strand (G>A on the coding strand, the complement: LARGE1 is on the minus strand). VCF-style: chr22-33283291-C-T. GRCh37 (hg19) VCF-style: chr22-33679277-C-T.
Other names: p.Ala596=; c.1788G>A (NM_004737.5, NM_004737.6); c.1788G>A, p.Ala596= (NM_001362949.2, NM_001362951.2, NM_001362953.2 and 4 more transcripts); c.1632G>A, p.Ala544= (NM_001378629.1); c.1185G>A, p.Ala395= (NM_001378630.1); c.1731-6036G>A (NM_001378627.1, NM_001378628.1); c.972-6036G>A (NM_001378631.1).
Identifiers: ClinVar variation 167250 (VCV000167250.57), dbSNP rs74550830, ClinGen allele CA180167.